The following is an entry in ClinVar:

NM_016124.6(RHD):c.255G>A (p.Ala85=)

Genes: RHD (Rh blood group D antigen; plus strand), RSRP1 (arginine and serine rich protein 1; minus strand). Cytogenetic location: 1p36.11.
Variant type: single nucleotide variant.
Coding change: c.255G>A on transcript NM_016124.6 (MANE Select); coding-DNA position 255, G replaced by A.
Protein change: p.Ala85=; no amino-acid change (alanine 85 retained).
Molecular consequence: synonymous variant. On other transcripts: 5 prime UTR variant (1), intron variant (1).
Genome position (GRCh38, 1-based): chr1:25,284,679, G>A. VCF-style: chr1-25284679-G-A. GRCh37 (hg19) VCF-style: chr1-25611170-G-A.
Other names: c.255G>A, p.Ala85= (NM_001127691.3, NM_001282868.1, NM_001282869.2 and 3 more transcripts); c.-240G>A (NM_001282867.1); c.-66-37650C>T (NM_001321772.2).
Identifiers: ClinVar variation 4873083 (VCV004873083.2).
Genomic context (GRCh38, chr1:25,284,679, plus strand): 5'-CACCTCGAGTTTCCGGAGACACAGCTGGAGCAGTGTGGCCTTCAACCTCTTCATGCTGGC[G>A]CTTGGTGTGCAGTGGGCAATCCTGCTGGACGGCTTCCTGAGCCAGTTCCCTTCTGGGAAG-3'
Protein context (NP_057208.3, residues 75-95): SSVAFNLFML[Ala85=]LGVQWAILLD

ClinVar aggregate classification (germline): Likely benign (1 of 4 stars; one submission).

Submission:

CeGaT Center for Human Genetics Tuebingen
Classification: Likely benign. Last evaluated: 2026-05-01. Review status: criteria provided, single submitter. Criteria: CeGaT Center For Human Genetics Tuebingen Variant Classification Criteria Version 2. Collection method: clinical testing. Allele origin: germline. Affected: yes. Observed: 1 variant allele.
Comment: RHD: BP4, BP7